The following is an entry in ClinVar:

ClinVar aggregate classification (germline): Conflicting classifications of pathogenicity. Review status: criteria provided, conflicting classifications (1 of 4 stars). 2 submissions from 2 submitters: Uncertain significance (1); Likely benign (1). Last evaluated 2024-06-01.

Allele frequency attached by ClinVar (database versions not stated): gnomAD exomes below 0.00001; ExAC 0.00001.
gnomAD v4.1: 1 of 1,614,074 alleles (0.000062%); highest among the groups gnomAD compares: Non-Finnish European, 0.000085%; no homozygotes.

Submissions (2):

CeGaT Center for Human Genetics Tuebingen
Classification: Likely benign. Last evaluated: 2024-06-01. Review status: criteria provided, single submitter. Criteria: CeGaT Center For Human Genetics Tuebingen Variant Classification Criteria Version 2. Collection method: clinical testing. Allele origin: germline. Affected: yes. Observed: 1 variant allele.
Comment: FAM111A: PM2, BP4, BS2

Labcorp Genetics (formerly Invitae), Labcorp
Classification: Uncertain significance. Last evaluated: 2023-05-09. Review status: criteria provided, single submitter. Criteria: Invitae Variant Classification Sherloc (09022015). Collection method: clinical testing. Allele origin: germline.
Comment: In summary, the available evidence is currently insufficient to determine the role of this variant in disease. Therefore, it has been classified as a Variant of Uncertain Significance. Advanced modeling of protein sequence and biophysical properties (such as structural, functional, and spatial information, amino acid conservation, physicochemical variation, residue mobility, and thermodynamic stability) performed at Invitae indicates that this missense variant is not expected to disrupt FAM111A protein function. This variant has not been reported in the literature in individuals affected with FAM111A-related conditions. This variant is present in population databases (rs749677037, gnomAD no frequency). This sequence change replaces tyrosine, which is neutral and polar, with asparagine, which is neutral and polar, at codon 79 of the FAM111A protein (p.Tyr79Asn).

NM_001312909.2(FAM111A):c.235T>A (p.Tyr79Asn)

Gene: FAM111A (FAM111 trypsin like peptidase A; plus strand). Cytogenetic location: 11q12.1.
Variant type: single nucleotide variant.
Coding change: c.235T>A on transcript NM_001312909.2 (MANE Select); coding-DNA position 235, T replaced by A.
Protein change: p.Tyr79Asn; replaces tyrosine 79 with asparagine.
Molecular consequence: missense variant.
Genome position (GRCh38, 1-based): chr11:59,151,903, T>A. VCF-style: chr11-59151903-T-A. GRCh37 (hg19) VCF-style: chr11-58919376-T-A.
Other names: c.235T>A, p.Tyr79Asn (NM_001142519.3, NM_001142520.3, NM_001142521.3 and 29 more transcripts); short protein forms Y79N.
Identifiers: ClinVar variation 2706235 (VCV002706235.21), dbSNP rs749677037, ClinGen allele CA6016532.
Genomic context (GRCh38, chr11:59,151,903, plus strand): 5'-AGATTCCATTCACCTAAGAAAAATCCAGAAGACCAGACCATGCCCCAAAATAGGACAATA[T>A]ATGTTACCTTGAAGGTAAACCACAGGAGAAACCAAGATATGAAACTTAAGCTCACACATA-3'
Protein context (NP_001299838.1, residues 69-89): DQTMPQNRTI[Tyr79Asn]VTLKVNHRRN